The following is an entry in ClinVar:

ClinVar aggregate classification (germline): Pathogenic. Review status: criteria provided, multiple submitters, no conflicts (2 of 4 stars). 2 submissions from 2 submitters: Pathogenic (2). Last evaluated 2021-07-10.

Conditions:
Ear malformation. Also called: CUP EAR; Abnormality of the ear. Identifiers: MedGen C0266589, MONDO:0007500, OMIM 128600, HP:0000598.
Megaloblastic anemia, thiamine-responsive, with diabetes mellitus and sensorineural deafness (TRMA). Also called: THIAMINE METABOLISM DYSFUNCTION SYNDROME 1 (MEGALOBLASTIC ANEMIA, DIABETES MELLITUS, AND DEAFNESS TYPE); ROGERS SYNDROME; THIAMINE-RESPONSIVE ANEMIA SYNDROME; THIAMINE-RESPONSIVE MYELODYSPLASIA; Thiamine-Responsive Megaloblastic Anemia Syndrome. Identifiers: Orphanet 49827, MedGen C0342287, MONDO:0009575, OMIM 249270.

Submissions (2):

Kariminejad - Najmabadi Pathology & Genetics Center
Classification: Pathogenic for Ear malformation. Last evaluated: 2021-07-10. Review status: criteria provided, single submitter. Criteria: ACMG Guidelines, 2015. Collection method: clinical testing. Allele origin: germline. Affected: yes.

Rajaie Cardiovascular, Medical and Research Center, Iran University of Medical Sciences
Classification: Pathogenic for Megaloblastic anemia, thiamine-responsive, with diabetes mellitus and sensorineural deafness. Review status: criteria provided, single submitter. Criteria: ACMG Guidelines, 2015. Collection method: research. Allele origin: somatic. Inheritance: Autosomal recessive inheritance. Affected: yes. Observed: 1 variant allele, 1 homozygote.
Comment: The SLC19A2 gene encodes a functional thiamine transporter. Mutations in this gene cause Thiamin-responsive megaloblastic anemia syndrome (OMIM: 249270), which is an autosomal recessive disorder characterized by diabetes mellitus, megaloblastic anemia and sensorineural deafness. Based on ACMG classification, c.C697Tvariant is Pathogenic.

NM_006996.3(SLC19A2):c.697C>T (p.Gln233Ter)

Gene: SLC19A2 (solute carrier family 19 member 2; minus strand). Cytogenetic location: 1q24.2.
Variant type: single nucleotide variant.
Coding change: c.697C>T on transcript NM_006996.3 (MANE Select); coding-DNA position 697, C replaced by T.
Protein change: p.Gln233Ter; replaces glutamine 233 with a stop codon.
Molecular consequence: nonsense. On other transcripts: intron variant (1).
Genome position (GRCh38, 1-based): chr1:169,477,265, G>A on the plus strand (C>T on the coding strand, the complement: SLC19A2 is on the minus strand). VCF-style: chr1-169477265-G-A. GRCh37 (hg19) VCF-style: chr1-169446503-G-A.
Other names: c.205-7079C>T (NM_001319667.1); short protein forms Q233*.
Identifiers: ClinVar variation 1178328 (VCV001178328.23), dbSNP rs1658342879, ClinGen allele CA343109935.